The following is an entry in ClinVar:

ClinVar aggregate classification (germline): Uncertain significance (1 of 4 stars; one submission).

Conditions:
Hereditary cancer-predisposing syndrome. Also called: Hereditary neoplastic syndrome; Neoplastic Syndromes, Hereditary; Tumor predisposition; Hereditary Cancer Syndrome. Identifiers: Orphanet 140162, MedGen C0027672, MeSH D009386, MONDO:0015356.

Submission:

Ambry Genetics
Classification: Uncertain significance for Hereditary cancer-predisposing syndrome. Last evaluated: 2025-02-16. Review status: criteria provided, single submitter. Criteria: Ambry Variant Classification Scheme 2023. Collection method: clinical testing. Allele origin: germline.
Comment: The p.S665T variant (also known as c.1993T>A), located in coding exon 11 of the DICER1 gene, results from a T to A substitution at nucleotide position 1993. The serine at codon 665 is replaced by threonine, an amino acid with similar properties. This amino acid position is conserved. In addition, this alteration is predicted to be tolerated by in silico analysis. Based on the available evidence, the clinical significance of this variant remains unclear.

NM_177438.3(DICER1):c.1993T>A (p.Ser665Thr)

Gene: DICER1 (dicer 1, ribonuclease III; minus strand). Cytogenetic location: 14q32.13.
Variant type: single nucleotide variant.
Coding change: c.1993T>A on transcript NM_177438.3 (MANE Select); coding-DNA position 1993, T replaced by A.
Protein change: p.Ser665Thr; replaces serine 665 with threonine.
Molecular consequence: missense variant. On other transcripts: non-coding transcript variant (6).
Genome position (GRCh38, 1-based): chr14:95,113,139, A>T on the plus strand (T>A on the coding strand, the complement: DICER1 is on the minus strand). VCF-style: chr14-95113139-A-T. GRCh37 (hg19) VCF-style: chr14-95579476-A-T.
Other names: c.1993T>A, p.Ser665Thr (NM_001195573.1, NM_001271282.3, NM_001291628.2 and 12 more transcripts); c.1711T>A, p.Ser571Thr (NM_001395686.1); c.1588T>A, p.Ser530Thr (NM_001395687.1, NM_001395688.1, NM_001395689.1 and 3 more transcripts); c.1426T>A, p.Ser476Thr (NM_001395691.1); c.310T>A, p.Ser104Thr (NM_001395697.1); short protein forms S665T, S571T, S530T, S104T, S476T.
Identifiers: ClinVar variation 3840037 (VCV003840037.1).